The following is an entry in ClinVar:

ClinVar aggregate classification (germline): Uncertain significance. Review status: criteria provided, multiple submitters, no conflicts (2 of 4 stars). 3 submissions from 3 submitters: Uncertain significance (2). 1 of the submissions does not count toward it. Last evaluated 2023-12-01.

Conditions:
Wilson disease (WND). Also called: Wilson's disease. Identifiers: Orphanet 905, MedGen C0019202, MONDO:0010200, OMIM 277900. Disease mechanism: loss of function.

gnomAD v4.1: 5 of 1,614,242 alleles (0.00031%); highest among the groups gnomAD compares: Non-Finnish European, 0.00025%; no homozygotes.

Submissions (3):

All of Us Research Program, National Institutes of Health
Classification: Uncertain significance for Wilson disease. Last evaluated: 2023-12-01. Review status: criteria provided, single submitter. Criteria: ACMG Guidelines, 2015. Collection method: clinical testing. Allele origin: germline. Inheritance: Autosomal recessive inheritance. Observed: 2 variant alleles, 2 heterozygotes.
Comment: This variant causes a G to C nucleotide substitution at the +5 position of intron 2 of the ATP7B gene. Splice site prediction tools predict that this variant may have a significant impact on RNA splicing. Although this prediction has not been confirmed in published RNA studies, this variant is expected to result in an absent or disrupted protein product. To our knowledge, functional studies have not been reported for this variant. This variant has not been reported in individuals affected with ATP7B-related disorders in the literature. This variant has not been identified in the general population by the Genome Aggregation Database (gnomAD). The available evidence is insufficient to determine the role of this variant in disease conclusively. Therefore, this variant is classified as a Variant of Uncertain Significance.

This study involves interpretation of variants in research participants for the purpose of population health screening. Participant phenotype was not available at the time of variant classification. Additional details can be found in publication PMID: 35346344, PMCID: PMC8962531

Labcorp Genetics (formerly Invitae), Labcorp
Classification: Uncertain significance for Wilson disease. Last evaluated: 2022-10-24. Review status: criteria provided, single submitter. Criteria: Invitae Variant Classification Sherloc (09022015). Collection method: clinical testing. Allele origin: germline.
Comment: This sequence change falls in intron 2 of the ATP7B gene. It does not directly change the encoded amino acid sequence of the ATP7B protein. It affects a nucleotide within the consensus splice site. This variant is not present in population databases (gnomAD no frequency). In summary, the available evidence is currently insufficient to determine the role of this variant in disease. Therefore, it has been classified as a Variant of Uncertain Significance. Variants that disrupt the consensus splice site are a relatively common cause of aberrant splicing (PMID: 17576681, 9536098). Algorithms developed to predict the effect of sequence changes on RNA splicing suggest that this variant may disrupt the consensus splice site. ClinVar contains an entry for this variant (Variation ID: 1019670). This variant has not been reported in the literature in individuals affected with ATP7B-related conditions.

Natera, Inc.
Classification: Uncertain significance for Wilson disease. Last evaluated: 2020-06-30. Review status: no assertion criteria provided. Collection method: clinical testing. Allele origin: germline. Not counted in ClinVar's aggregate classification.

Literature cited by the submitters: PubMed 17576681 (cited by Labcorp Genetics (formerly Invitae), Labcorp); PubMed 9536098 (cited by Labcorp Genetics (formerly Invitae), Labcorp).

NM_000053.4(ATP7B):c.1285+5G>C

Gene: ATP7B (ATPase copper transporting beta; minus strand). Cytogenetic location: 13q14.3.
Variant type: single nucleotide variant.
Coding change: c.1285+5G>C on transcript NM_000053.4 (MANE Select); 5 bases into the intron after coding-DNA position 1285, G replaced by C.
Molecular consequence: intron variant.
Genome position (GRCh38, 1-based): chr13:51,973,930, C>G on the plus strand (G>C on the coding strand, the complement: ATP7B is on the minus strand). VCF-style: chr13-51973930-C-G. GRCh37 (hg19) VCF-style: chr13-52548066-C-G.
Other names: c.952+5G>C (NM_001243182.2); c.1285+5G>C (NM_001005918.3, NM_001330579.2, NM_001330578.2).
Identifiers: ClinVar variation 1019670 (VCV001019670.10), dbSNP rs370579582, ClinGen allele CA2091556768.